The following is an entry in ClinVar:

ClinVar aggregate classification (germline): Uncertain significance. Review status: criteria provided, multiple submitters, no conflicts (2 of 4 stars). 2 submissions from 2 submitters: Uncertain significance (2). Last evaluated 2025-12-12.

Conditions:
Renal tubular dysgenesis of genetic origin. Also called: PRIMITIVE RENAL TUBULE SYNDROME. Identifiers: Orphanet 97369, MedGen C5681536, MONDO:0009970, OMIM 267430.

gnomAD v4.1: 16 of 1,614,062 alleles (0.00099%); highest among the groups gnomAD compares: African/African-American, 0.021%; no homozygotes.

Submissions (2):

Clinical Genomics Laboratory, Washington University in St. Louis
Classification: Uncertain significance for Renal tubular dysgenesis of genetic origin. Last evaluated: 2025-12-12. Review status: criteria provided, single submitter. Criteria: ACMG Guidelines, 2015. Collection method: clinical testing. Allele origin: germline.
Comment: An AGT c.1011G>T (p.Gln337His) variant was identified in a heterozygous state. This variant, to our knowledge, has not been reported in the medical literature but has been reported in the ClinVar database as a germline variant of uncertain significance in renal tubular dysgenesis of genetic origin by one submitter (Variation ID: 3581005). It is only observed on 6/282,884 alleles in the general population (gnomAD v2.1.1), indicating it is not a common variant. Computational predictors indicate that the variant is damaging, evidence that correlates with impact to AGT function. Due to limited information, and based on ACMG/AMP guidelines for variant interpretation (Richards S et al., PMID: 25741868), the clinical significance of this variant is uncertain at this time.

Fulgent Genetics
Classification: Uncertain significance for Renal tubular dysgenesis of genetic origin. Last evaluated: 2024-03-06. Review status: criteria provided, single submitter. Criteria: ACMG Guidelines, 2015. Collection method: clinical testing. Allele origin: germline.

NM_001384479.1(AGT):c.1011G>T (p.Gln337His)

Gene: AGT (angiotensinogen; minus strand). Cytogenetic location: 1q42.2.
Variant type: single nucleotide variant.
Coding change: c.1011G>T on transcript NM_001384479.1 (MANE Select); coding-DNA position 1011, G replaced by T.
Protein change: p.Gln337His; replaces glutamine 337 with histidine.
Molecular consequence: missense variant.
Genome position (GRCh38, 1-based): chr1:230,706,019, C>A on the plus strand (G>T on the coding strand, the complement: AGT is on the minus strand). VCF-style: chr1-230706019-C-A. GRCh37 (hg19) VCF-style: chr1-230841765-C-A.
Other names: c.1011G>T, p.Gln337His (NM_001382817.3); short protein forms Q337H.
Identifiers: ClinVar variation 3581005 (VCV003581005.2).